The following is an entry in ClinVar:

NM_003283.6(TNNT1):c.129-9T>G

Gene: TNNT1 (troponin T1, slow skeletal type; minus strand). Cytogenetic location: 19q13.42.
Variant type: single nucleotide variant.
Coding change: c.129-9T>G on transcript NM_003283.6 (MANE Select); 9 bases into the intron before coding-DNA position 129, T replaced by G.
Molecular consequence: intron variant.
Genome position (GRCh38, 1-based): chr19:55,141,929, A>C on the plus strand (T>G on the coding strand, the complement: TNNT1 is on the minus strand). VCF-style: chr19-55141929-A-C. GRCh37 (hg19) VCF-style: chr19-55653297-A-C.
Other names: p.?; c.96-9T>G (NM_001126133.3, NM_001291774.2); c.129-9T>G (NM_001126132.3).
Identifiers: ClinVar variation 130602 (VCV000130602.27), dbSNP rs67795913, ClinGen allele CA155742.

ClinVar aggregate classification (germline): Benign/Likely benign. Review status: criteria provided, multiple submitters, no conflicts (2 of 4 stars). 11 submissions from 11 submitters: Benign (6); Likely benign (3). 2 of the submissions do not count toward it. Last evaluated 2026-02-04.

Conditions:
Nemaline myopathy 5 (NEM5A). Also called: NEMALINE MYOPATHY 5A, AUTOSOMAL RECESSIVE, SEVERE INFANTILE; Nemaline myopathy 5, Amish type; NEMALINE MYOPATHY, AMISH TYPE. Identifiers: Orphanet 98902, MedGen C1854380, MONDO:0011539, OMIM 605355.

Allele frequency attached by ClinVar (database versions not stated): 1000 Genomes Project 30x 0.09135; 1000 Genomes Project 0.09265; TOPMed 0.10199; gnomAD 0.10318 and 0.10338; ESP Exome Variant Server 0.11003; gnomAD exomes 0.12023 and 0.13084; ExAC 0.12095.
gnomAD v4.1: 207,122 of 1,613,310 alleles (13%); highest among the groups gnomAD compares: East Asian, 19%; 14,052 homozygotes.

Submissions (28):

Labcorp Genetics (formerly Invitae), Labcorp
Classification: Benign for Nemaline myopathy 5. Last evaluated: 2026-02-04. Review status: criteria provided, single submitter. Criteria: Invitae Variant Classification Sherloc (09022015). Collection method: clinical testing. Allele origin: germline.

Blueprint Genetics
Classification: Likely benign. Last evaluated: 2024-11-28. Review status: criteria provided, single submitter. Criteria: ACMG Guidelines, 2015. Collection method: clinical testing. Allele origin: germline.

Illumina Laboratory Services, Illumina
Classification: Likely benign for Nemaline myopathy 5. Last evaluated: 2018-01-12. Review status: criteria provided, single submitter. Criteria: ICSL Variant Classification Criteria 13 December 2019. Collection method: clinical testing. Allele origin: germline.
Comment: This variant was observed in the ICSL laboratory as part of a predisposition screen in an ostensibly healthy population. It had not been previously curated by ICSL or reported in the Human Gene Mutation Database (HGMD: prior to June 1st, 2018), and was therefore a candidate for classification through an automated scoring system. Utilizing variant allele frequency, disease prevalence and penetrance estimates, and inheritance mode, an automated score was calculated to assess if this variant is too frequent to cause the disease. Based on the score and internal cut-off values, a variant classified as likely benign is not then subjected to further curation. The score for this variant resulted in a classification of likely benign for this disease.

Mayo Clinic Laboratories, Mayo Clinic
Classification: Benign. Last evaluated: 2017-12-04. Review status: criteria provided, single submitter. Criteria: ACMG Guidelines, 2015. Collection method: clinical testing. Allele origin: germline. Observed: 110 variant alleles.

GeneDx
Classification: Benign. Last evaluated: 2016-02-08. Review status: criteria provided, single submitter. Criteria: GeneDx Variant Classification (06012015). Collection method: clinical testing. Allele origin: germline. Affected: yes.
Comment: This variant is considered likely benign or benign based on one or more of the following criteria: it is a conservative change, it occurs at a poorly conserved position in the protein, it is predicted to be benign by multiple in silico algorithms, and/or has population frequency not consistent with disease.

Genome Diagnostics Laboratory, University Medical Center Utrecht
Classification: Benign for Nemaline myopathy 5. Last evaluated: 2015-12-09. Review status: criteria provided, single submitter. Criteria: ACGS Guidelines, 2013. Collection method: clinical testing. Allele origin: germline. Affected: yes. Study: VKGL Data-share Consensus.

Laboratory for Molecular Medicine, Mass General Brigham Personalized Medicine
Classification: Benign. Last evaluated: 2015-01-13. Review status: criteria provided, single submitter. Criteria: LMM Criteria. Collection method: clinical testing. Allele origin: germline. Observed: 3 variant alleles.
Comment: c.129-9T>G in intron 6 of TNNT1: This variant is not expected to have clinical s ignificance because it has been identified in 14.6% (1253/8600) of European Amer ican chromosomes from a broad population by the NHLBI Exome Sequencing Project (dbSNP rs67795913).

Breakthrough Genomics
Classification: Likely benign. Review status: criteria provided, single submitter. Criteria: ACMG Guidelines, 2015. Collection method: not provided. Allele origin: germline. Inheritance: Autosomal recessive inheritance. Affected: yes.

PreventionGenetics, part of Exact Sciences
Classification: Benign. Review status: criteria provided, single submitter. Criteria: ACMG Guidelines, 2015. Collection method: clinical testing. Allele origin: germline.

Diagnostic Laboratory, Department of Genetics, University Medical Center Groningen
Classification: Benign for Nemaline myopathy 5. Review status: no assertion criteria provided. Collection method: clinical testing. Allele origin: germline. Affected: yes. Study: VKGL Data-share Consensus. Not counted in ClinVar's aggregate classification.

Dr. Peter K. Rogan Lab, Western University
No classification provided (evidence only). Condition: Malignant lymphoma, large B-cell, diffuse. Review status: no classification provided. Collection method: in vitro. Allele origin: not applicable. Functional consequence: retained intron. Not counted in ClinVar's aggregate classification.

Dr. Peter K. Rogan Lab, Western University
No classification provided (evidence only). Condition: Malignant lymphoma, large B-cell, diffuse. Review status: no classification provided. Collection method: in vitro. Allele origin: not applicable. Functional consequence: retained intron. Not counted in ClinVar's aggregate classification.

Dr. Peter K. Rogan Lab, Western University
No classification provided (evidence only). Condition: Malignant lymphoma, large B-cell, diffuse. Review status: no classification provided. Collection method: in vitro. Allele origin: not applicable. Functional consequence: retained intron. Not counted in ClinVar's aggregate classification.

Dr. Peter K. Rogan Lab, Western University
No classification provided (evidence only). Condition: Malignant lymphoma, large B-cell, diffuse. Review status: no classification provided. Collection method: in vitro. Allele origin: not applicable. Functional consequence: retained intron. Not counted in ClinVar's aggregate classification.

Dr. Peter K. Rogan Lab, Western University
No classification provided (evidence only). Condition: Malignant lymphoma, large B-cell, diffuse. Review status: no classification provided. Collection method: in vitro. Allele origin: not applicable. Functional consequence: retained intron. Not counted in ClinVar's aggregate classification.

Dr. Peter K. Rogan Lab, Western University
No classification provided (evidence only). Condition: Uterine carcinosarcoma. Review status: no classification provided. Collection method: in vitro. Allele origin: not applicable. Functional consequence: skipped exon, retained intron. Not counted in ClinVar's aggregate classification.

Dr. Peter K. Rogan Lab, Western University
No classification provided (evidence only). Condition: Uterine carcinosarcoma. Review status: no classification provided. Collection method: in vitro. Allele origin: not applicable. Functional consequence: skipped exon, retained intron. Not counted in ClinVar's aggregate classification.

Dr. Peter K. Rogan Lab, Western University
No classification provided (evidence only). Condition: Uterine carcinosarcoma. Review status: no classification provided. Collection method: in vitro. Allele origin: not applicable. Functional consequence: skipped exon, retained intron. Not counted in ClinVar's aggregate classification.

Dr. Peter K. Rogan Lab, Western University
No classification provided (evidence only). Condition: Uterine carcinosarcoma. Review status: no classification provided. Collection method: in vitro. Allele origin: not applicable. Functional consequence: skipped exon, retained intron. Not counted in ClinVar's aggregate classification.

Dr. Peter K. Rogan Lab, Western University
No classification provided (evidence only). Condition: Uterine carcinosarcoma. Review status: no classification provided. Collection method: in vitro. Allele origin: not applicable. Functional consequence: retained intron. Not counted in ClinVar's aggregate classification.

Dr. Peter K. Rogan Lab, Western University
No classification provided (evidence only). Condition: Uterine carcinosarcoma. Review status: no classification provided. Collection method: in vitro. Allele origin: not applicable. Functional consequence: skipped exon, retained intron. Not counted in ClinVar's aggregate classification.

Dr. Peter K. Rogan Lab, Western University
No classification provided (evidence only). Condition: Uterine carcinosarcoma. Review status: no classification provided. Collection method: in vitro. Allele origin: not applicable. Functional consequence: skipped exon, retained intron. Not counted in ClinVar's aggregate classification.

Dr. Peter K. Rogan Lab, Western University
No classification provided (evidence only). Condition: Uterine carcinosarcoma. Review status: no classification provided. Collection method: in vitro. Allele origin: not applicable. Functional consequence: retained intron. Not counted in ClinVar's aggregate classification.

Dr. Peter K. Rogan Lab, Western University
No classification provided (evidence only). Condition: Uterine carcinosarcoma. Review status: no classification provided. Collection method: in vitro. Allele origin: not applicable. Functional consequence: skipped exon, retained intron. Not counted in ClinVar's aggregate classification.

Dr. Peter K. Rogan Lab, Western University
No classification provided (evidence only). Condition: Uterine carcinosarcoma. Review status: no classification provided. Collection method: in vitro. Allele origin: not applicable. Functional consequence: skipped exon, retained intron. Not counted in ClinVar's aggregate classification.

Dr. Peter K. Rogan Lab, Western University
No classification provided (evidence only). Condition: Uterine carcinosarcoma. Review status: no classification provided. Collection method: in vitro. Allele origin: not applicable. Functional consequence: skipped exon, retained intron. Not counted in ClinVar's aggregate classification.

Dr. Peter K. Rogan Lab, Western University
No classification provided (evidence only). Condition: Uterine carcinosarcoma. Review status: no classification provided. Collection method: in vitro. Allele origin: not applicable. Functional consequence: skipped exon, retained intron. Not counted in ClinVar's aggregate classification.

Genetic Services Laboratory, University of Chicago
Classification: Likely benign for AllHighlyPenetrant. Review status: no assertion criteria provided. Collection method: clinical testing. Allele origin: germline. Inheritance: Autosomal recessive inheritance. Not counted in ClinVar's aggregate classification.
Comment: Likely benign based on allele frequency in 1000 Genomes Project or ESP global frequency and its presence in a patient with a rare or unrelated disease phenotype. NOT Sanger confirmed.